The following is an entry in ClinVar:

ClinVar aggregate classification (germline): Uncertain significance (1 of 4 stars; one submission).

Conditions:
Hereditary cancer-predisposing syndrome. Also called: Tumor predisposition; Hereditary Cancer Syndrome; Neoplastic Syndromes, Hereditary; Hereditary neoplastic syndrome. Identifiers: Orphanet 140162, MedGen C0027672, MeSH D009386, MONDO:0015356.

Submission:

Ambry Genetics
Classification: Uncertain significance for Hereditary cancer-predisposing syndrome. Last evaluated: 2025-03-10. Review status: criteria provided, single submitter. Criteria: Ambry Variant Classification Scheme 2023. Collection method: clinical testing. Allele origin: germline.
Comment: The p.F844L variant (also known as c.2532T>G), located in coding exon 17 of the SMARCA4 gene, results from a T to G substitution at nucleotide position 2532. The phenylalanine at codon 844 is replaced by leucine, an amino acid with highly similar properties. This amino acid position is well conserved in available vertebrate species. In addition, the in silico prediction for this alteration is inconclusive. Based on the available evidence, the clinical significance of this variant remains unclear.

NM_003072.5(SMARCA4):c.2532T>G (p.Phe844Leu)

Gene: SMARCA4 (SWI/SNF related BAF chromatin remodeling complex subunit ATPase 4; plus strand). Cytogenetic location: 19p13.2.
Variant type: single nucleotide variant.
Coding change: c.2532T>G on transcript NM_003072.5 (MANE Select); coding-DNA position 2532, T replaced by G.
Protein change: p.Phe844Leu; replaces phenylalanine 844 with leucine.
Molecular consequence: missense variant. On other transcripts: non-coding transcript variant (1).
Genome position (GRCh38, 1-based): chr19:11,019,617, T>G. VCF-style: chr19-11019617-T-G. GRCh37 (hg19) VCF-style: chr19-11130293-T-G.
Other names: c.2532T>G, p.Phe844Leu (NM_001128844.3, NM_001128845.2, NM_001128846.2 and 6 more transcripts); short protein forms F844L.
Identifiers: ClinVar variation 1792724 (VCV001792724.3), dbSNP rs779431261, ClinGen allele CA404054350.